The following is an entry in ClinVar:

NC_000016.10:g.67660385C>A

Genes: ACD (ACD shelterin complex subunit and telomerase recruitment factor; minus strand), LOC130059224 (ATAC-STARR-seq lymphoblastoid silent region 7617; plus strand). Cytogenetic location: 16q22.1.
Variant type: single nucleotide variant.
Genome position: GRCh38 VCF-style: chr16-67660385-C-A. GRCh37 (hg19) VCF-style: chr16-67694288-C-A.
Other names: short protein forms G32C.
Identifiers: ClinVar variation 1414759 (VCV001414759.10), dbSNP rs761628896, ClinGen allele CA8114916.

ClinVar aggregate classification (germline): Uncertain significance. Review status: criteria provided, multiple submitters, no conflicts (2 of 4 stars). 2 submissions from 2 submitters: Uncertain significance (2). Last evaluated 2025-06-22.

Conditions:
Dyskeratosis congenita, autosomal dominant 6 (DKCA6). Identifiers: Orphanet 3322, MedGen C4225284, MONDO:0014690, OMIM 616553.
Inborn genetic diseases. Identifiers: MedGen C0950123, MeSH D030342.

Submissions (2):

Labcorp Genetics (formerly Invitae), Labcorp
Classification: Uncertain significance for Dyskeratosis congenita, autosomal dominant 6. Last evaluated: 2025-06-22. Review status: criteria provided, single submitter. Criteria: Invitae Variant Classification Sherloc (09022015). Collection method: clinical testing. Allele origin: germline.
Comment: This sequence change replaces glycine, which is neutral and non-polar, with cysteine, which is neutral and slightly polar, at codon 32 of the ACD protein (p.Gly32Cys). This variant is present in population databases (rs761628896, gnomAD 0.004%). This variant has not been reported in the literature in individuals affected with ACD-related conditions. ClinVar contains an entry for this variant (Variation ID: 1414759). An algorithm developed to predict the effect of missense changes on protein structure and function (PolyPhen-2) suggests that this variant is likely to be tolerated. In summary, the available evidence is currently insufficient to determine the role of this variant in disease. Therefore, it has been classified as a Variant of Uncertain Significance.

Ambry Genetics
Classification: Uncertain significance for Inborn genetic diseases. Last evaluated: 2024-05-22. Review status: criteria provided, single submitter. Criteria: Ambry Variant Classification Scheme 2023. Collection method: clinical testing. Allele origin: germline.
Comment: The p.G32C variant (also known as c.94G>T), located in coding exon 1 of the ACD gene, results from a G to T substitution at nucleotide position 94. The glycine at codon 32 is replaced by cysteine, an amino acid with highly dissimilar properties. This amino acid position is conserved. In addition, this alteration is predicted to be tolerated by in silico analysis. Since supporting evidence is limited at this time, the clinical significance of this alteration remains unclear.